The following is an entry in ClinVar:

NM_032581.4(HYCC1):c.51+1G>A

Gene: HYCC1 (hyccin PI4KA lipid kinase complex subunit 1; minus strand). Cytogenetic location: 7p15.3.
Variant type: single nucleotide variant.
Coding change: c.51+1G>A on transcript NM_032581.4 (MANE Select); the canonical splice donor site of the intron after coding-DNA position 51, G replaced by A.
Molecular consequence: splice donor variant.
Genome position (GRCh38, 1-based): chr7:22,991,060, C>T on the plus strand (G>A on the coding strand, the complement: HYCC1 is on the minus strand). VCF-style: chr7-22991060-C-T. GRCh37 (hg19) VCF-style: chr7-23030679-C-T.
Other names: IVS2DS, G-A, +1; c.51+1G>A (NM_001363467.2, NM_001363466.2).
Identifiers: ClinVar variation 1214 (VCV000001214.5), dbSNP rs72549405, ClinGen allele CA339886.
Genomic context (GRCh38, chr7:22,991,060, plus strand): 5'-TTTAAACGCCAGACAAAACTTCCTTGGAATATAATTACTATAGTAGAACAGTAAATATTA[C>T]CTTAAACTCTGACAACCATTCCTCCACAACCCCTTTCTCTGAAGTAAACATTTTTCCACA-3'

ClinVar aggregate classification (germline): Pathogenic. Review status: criteria provided, single submitter (1 of 4 stars). 3 submissions from 3 submitters: Pathogenic (1). 2 of the submissions do not count toward it. Last evaluated 2024-01-22.

Conditions:
Hypomyelination and Congenital Cataract (HLD5). Also called: hypomyelinating leukodystrophy 5. Identifiers: Orphanet 85163, MedGen C1864663, MONDO:0012514, OMIM 610532.

Allele frequency attached by ClinVar (database versions not stated): ExAC 0.00001; gnomAD exomes 0.00001.
gnomAD v4.1: 2 of 1,597,540 alleles (0.00013%); highest among the groups gnomAD compares: Non-Finnish European, 0.00017%; no homozygotes.

Submissions (3):

Women's Health and Genetics/Laboratory Corporation of America, LabCorp
Classification: Pathogenic for Hypomyelination and Congenital Cataract. Last evaluated: 2024-01-22. Review status: criteria provided, single submitter. Criteria: LabCorp Variant Classification Summary - May 2015. Collection method: clinical testing. Allele origin: germline.
Comment: Variant summary: HYCC1 c.51+1G>A is located in a canonical splice-site and is predicted to affect mRNA splicing resulting in a significantly altered protein due to either exon skipping, shortening, or inclusion of intronic material. Several computational tools predict a significant impact on normal splicing: Three predict the variant abolishes a 5' splicing donor site. However, these predictions have yet to be confirmed by functional studies. c.51+1G>A has been reported in the literature in multiple homozygous individuals affected with Hypomyelination And Congenital Cataract (e.g. Biancheri_2007). These data indicate that the variant is very likely to be associated with disease. To our knowledge, no experimental evidence demonstrating an impact on protein function has been reported. The following publication has been ascertained in the context of this evaluation (PMID: 17683097). ClinVar contains an entry for this variant (Variation ID: 1214). Based on the evidence outlined above, the variant was classified as pathogenic.

OMIM
Classification: Pathogenic for LEUKODYSTROPHY, HYPOMYELINATING, 5. Last evaluated: 2006-10-01. Review status: no assertion criteria provided. Collection method: literature only. Allele origin: germline. Not counted in ClinVar's aggregate classification.

GeneReviews
No classification provided. Condition: Hypomyelination and Congenital Cataract. Review status: no classification provided. Collection method: literature only. Allele origin: germline. Not counted in ClinVar's aggregate classification.

Literature cited by the submitters: PubMed 17683097 (cited by Women's Health and Genetics/Laboratory Corporation of America, LabCorp); PubMed 16951682 (cited by OMIM and GeneReviews); PubMed 20301737 (cited by GeneReviews).